The following is an entry in ClinVar:

ClinVar aggregate classification (germline): Conflicting classifications of pathogenicity. Review status: criteria provided, conflicting classifications (1 of 4 stars). 4 submissions from 4 submitters: Likely pathogenic (3); Uncertain significance (1). Last evaluated 2026-01-26.

Conditions:
Lymphoma, non-Hodgkin, familial. Identifiers: MedGen C4721532, MONDO:0011508, OMIM 605027.
Familial hemophagocytic lymphohistiocytosis 2 (FHL2). Also called: PRF1-Related Familial Hemophagocytic Lymphohistiocytosis (PRF1-fHLH). Identifiers: Orphanet 540, MedGen C1863727, MONDO:0011337, OMIM 603553.
Aplastic anemia. Identifiers: Orphanet 182040, Orphanet 88, MedGen C0002874, MONDO:0015909, OMIM 609135, HP:0001915.

Allele frequency attached by ClinVar (database versions not stated): TOPMed below 0.00001; gnomAD 0.00001; gnomAD exomes 0.00001.
gnomAD v4.1: 12 of 1,614,096 alleles (0.00074%); highest among the groups gnomAD compares: South Asian, 0.0055%; no homozygotes.

Submissions (4):

Labcorp Genetics (formerly Invitae), Labcorp
Classification: Likely pathogenic for Familial hemophagocytic lymphohistiocytosis 2. Last evaluated: 2026-01-26. Review status: criteria provided, single submitter. Criteria: Invitae Variant Classification Sherloc (09022015). Collection method: clinical testing. Allele origin: germline.
Comment: This sequence change replaces aspartic acid, which is acidic and polar, with asparagine, which is neutral and polar, at codon 491 of the PRF1 protein (p.Asp491Asn). This variant is present in population databases (no rsID available, gnomAD 0.006%). This missense change has been observed in individual(s) with anaplastic large cell lymphoma and/or hemophagocytic lymphohistiocytosis (PMID: 17477373, 25577959, 33746956, 35988656). In at least one individual the data is consistent with being in trans (on the opposite chromosome) from a pathogenic variant. ClinVar contains an entry for this variant (Variation ID: 1039229). Invitae Evidence Modeling of protein sequence and biophysical properties (such as structural, functional, and spatial information, amino acid conservation, physicochemical variation, residue mobility, and thermodynamic stability) has been performed for this missense variant. However, the output from this modeling did not meet the statistical confidence thresholds required to predict the impact of this variant on PRF1 protein function. In summary, the currently available evidence indicates that the variant is pathogenic, but additional data are needed to prove that conclusively. Therefore, this variant has been classified as Likely Pathogenic.

Myriad Genetics, Inc.
Classification: Uncertain significance for Familial hemophagocytic lymphohistiocytosis 2. Last evaluated: 2025-12-30. Review status: criteria provided, single submitter. Criteria: Myriad Autosomal Dominant, Autosomal Recessive and X-Linked Classification Criteria (2023). Collection method: clinical testing. Allele origin: unknown.
Comment: NM_001083116.1(PRF1):c.1471G>A(D491N) is a missense variant classified as a variant of uncertain significance in the context of familial hemophagocytic lymphohistiocytosis, PRF1-related. D491N has been observed in cases with relevant disease (PMID: 24390453, 33746956, 19058215). Relevant functional assessments of this variant are not available in the literature. D491N has been observed in referenced population frequency databases. In summary, there is insufficient evidence to classify NM_001083116.1(PRF1):c.1471G>A(D491N) as pathogenic or benign. Please note: this variant was assessed in the context of healthy population screening.

Fulgent Genetics
Classification: Likely pathogenic for Familial hemophagocytic lymphohistiocytosis 2; Lymphoma, non-Hodgkin, familial; Aplastic anemia. Last evaluated: 2024-05-06. Review status: criteria provided, single submitter. Criteria: ACMG Guidelines, 2015. Collection method: clinical testing. Allele origin: germline.

Baylor Genetics
Classification: Likely pathogenic for Aplastic anemia. Last evaluated: 2024-02-15. Review status: criteria provided, single submitter. Criteria: ACMG Guidelines, 2015. Collection method: clinical testing. Allele origin: unknown.

Literature cited by the submitters: PubMed 17477373 (cited by Labcorp Genetics (formerly Invitae), Labcorp); PubMed 25577959 (cited by Labcorp Genetics (formerly Invitae), Labcorp); PubMed 33746956 (cited by Labcorp Genetics (formerly Invitae), Labcorp and Myriad Genetics, Inc.); PubMed 35988656 (cited by Labcorp Genetics (formerly Invitae), Labcorp); PubMed 19058215 (cited by Myriad Genetics, Inc.); PubMed 24390453 (cited by Myriad Genetics, Inc.).

NM_001083116.3(PRF1):c.1471G>A (p.Asp491Asn)

Gene: PRF1 (perforin 1; minus strand). Cytogenetic location: 10q22.1.
Variant type: single nucleotide variant.
Coding change: c.1471G>A on transcript NM_001083116.3 (MANE Select); coding-DNA position 1471, G replaced by A.
Protein change: p.Asp491Asn; replaces aspartic acid 491 with asparagine.
Molecular consequence: missense variant.
Genome position (GRCh38, 1-based): chr10:70,598,250, C>T on the plus strand (G>A on the coding strand, the complement: PRF1 is on the minus strand). VCF-style: chr10-70598250-C-T. GRCh37 (hg19) VCF-style: chr10-72358006-C-T.
Other names: c.1471G>A, p.Asp491Asn (NM_005041.6); short protein forms D491N.
Identifiers: ClinVar variation 1039229 (VCV001039229.9), dbSNP rs1324261340, ClinGen allele CA376955515.